The following is an entry in ClinVar:

ClinVar aggregate classification (germline): Likely benign. Review status: criteria provided, multiple submitters, no conflicts (2 of 4 stars). 2 submissions from 2 submitters: Likely benign (2). Last evaluated 2026-06-22.

Conditions:
Hereditary hemochromatosis (HFE). Identifiers: MedGen C0392514, MONDO:0006507. Disease mechanism: loss of function.

Allele frequency attached by ClinVar (database versions not stated): gnomAD exomes below 0.00001.
gnomAD v4.1: 5 of 1,614,206 alleles (0.00031%); highest among the groups gnomAD compares: Non-Finnish European, 0.00042%; no homozygotes.

Submissions (2):

Women's Health and Genetics/Laboratory Corporation of America, LabCorp
Classification: Likely benign. Last evaluated: 2026-06-22. Review status: criteria provided, single submitter. Criteria: LabCorp Variant Classification Summary - May 2015. Collection method: clinical testing. Allele origin: germline.
Comment: Variant summary: HFE c.769T>C alters a non-conserved nucleotide resulting in a synonymous change. Consensus agreement among computation tools predict no significant impact on normal splicing. However, these predictions have yet to be confirmed by functional studies. The variant allele was found at a frequency of 3.1e-06 in 1607232 control chromosomes (gnomAD v4.1). The available data on variant occurrences in the general population are insufficient to allow any conclusion about variant significance. To our knowledge, no occurrence of c.769T>C in individuals affected with HFE-related conditions and no experimental evidence demonstrating its impact on protein function have been reported. ClinVar contains an entry for this variant (Variation ID: 1551824). Based on the evidence outlined above, the variant was classified as likely benign.

Labcorp Genetics (formerly Invitae), Labcorp
Classification: Likely benign for Hereditary hemochromatosis. Last evaluated: 2021-06-17. Review status: criteria provided, single submitter. Criteria: Invitae Variant Classification Sherloc (09022015). Collection method: clinical testing. Allele origin: germline.

NM_000410.4(HFE):c.769T>C (p.Leu257=)

Gene: HFE (homeostatic iron regulator; plus strand). Cytogenetic location: 6p22.2.
Variant type: single nucleotide variant.
Coding change: c.769T>C on transcript NM_000410.4 (MANE Select); coding-DNA position 769, T replaced by C.
Protein change: p.Leu257=; no amino-acid change (leucine 257 retained).
Molecular consequence: synonymous variant. On other transcripts: intron variant (1).
Genome position (GRCh38, 1-based): chr6:26,092,837, T>C. VCF-style: chr6-26092837-T-C. GRCh37 (hg19) VCF-style: chr6-26093065-T-C.
Other names: c.769T>C, p.Leu257= (NM_001300749.3, NM_001384164.1); c.760T>C, p.Leu254= (NM_001406751.1); c.505T>C, p.Leu169= (NM_001406752.1, NM_139007.3); c.451T>C, p.Leu151= (NM_139003.3); c.493T>C, p.Leu165= (NM_139004.3); c.727T>C, p.Leu243= (NM_139006.3); c.463T>C, p.Leu155= (NM_139008.3); c.700T>C, p.Leu234= (NM_139009.3); and 2 more.
Identifiers: ClinVar variation 1551824 (VCV001551824.10), dbSNP rs2113761641, ClinGen allele CA449421016.
Genomic context (GRCh38, chr6:26,092,837, plus strand): 5'-ATGAAGTGGCTGAAGGATAAGCAGCCAATGGATGCCAAGGAGTTCGAACCTAAAGACGTA[T>C]TGCCCAATGGGGATGGGACCTACCAGGGCTGGATAACCTTGGCTGTACCCCCTGGGGAAG-3'
Protein context (NP_000401.1, residues 247-267): DAKEFEPKDV[Leu257=]PNGDGTYQGW